The following is an entry in ClinVar:

NM_030665.4(RAI1):c.1864G>T (p.Ala622Ser)

Gene: RAI1 (retinoic acid induced 1; plus strand). Cytogenetic location: 17p11.2.
Variant type: single nucleotide variant.
Coding change: c.1864G>T on transcript NM_030665.4 (MANE Select); coding-DNA position 1864, G replaced by T.
Protein change: p.Ala622Ser; replaces alanine 622 with serine.
Molecular consequence: missense variant.
Genome position (GRCh38, 1-based): chr17:17,794,812, G>T. VCF-style: chr17-17794812-G-T. GRCh37 (hg19) VCF-style: chr17-17698126-G-T.
Other names: short protein forms A622S.
Identifiers: ClinVar variation 4742360 (VCV004742360.1).

ClinVar aggregate classification (germline): Uncertain significance (1 of 4 stars; one submission).

Submission:

Labcorp Genetics (formerly Invitae), Labcorp
Classification: Uncertain significance. Last evaluated: 2025-07-15. Review status: criteria provided, single submitter. Criteria: Invitae Variant Classification Sherloc (09022015). Collection method: clinical testing. Allele origin: germline.
Comment: This sequence change replaces alanine, which is neutral and non-polar, with serine, which is neutral and polar, at codon 622 of the RAI1 protein (p.Ala622Ser). This variant is not present in population databases (gnomAD no frequency). This variant has not been reported in the literature in individuals affected with RAI1-related conditions. Invitae Evidence Modeling of protein sequence and biophysical properties (such as structural, functional, and spatial information, amino acid conservation, physicochemical variation, residue mobility, and thermodynamic stability) indicates that this missense variant is not expected to disrupt RAI1 protein function with a negative predictive value of 80%. In summary, the available evidence is currently insufficient to determine the role of this variant in disease. Therefore, it has been classified as a Variant of Uncertain Significance.